The following is an entry in ClinVar:

NM_022051.3(EGLN1):c.828G>A (p.Met276Ile)

Genes: EGLN1 (egl-9 family hypoxia inducible factor 1; minus strand), LOC129932769 (ATAC-STARR-seq lymphoblastoid active region 2730; plus strand). Cytogenetic location: 1q42.2.
Variant type: single nucleotide variant.
Coding change: c.828G>A on transcript NM_022051.3 (MANE Select); coding-DNA position 828, G replaced by A.
Protein change: p.Met276Ile; replaces methionine 276 with isoleucine.
Molecular consequence: missense variant.
Genome position (GRCh38, 1-based): chr1:231,421,061, C>T on the plus strand (G>A on the coding strand, the complement: EGLN1 is on the minus strand). VCF-style: chr1-231421061-C-T. GRCh37 (hg19) VCF-style: chr1-231556807-C-T.
Other names: c.828G>A, p.Met276Ile (NM_001377260.1, NM_001377261.1); short protein forms M276I.
Identifiers: ClinVar variation 1762764 (VCV001762764.3), dbSNP rs2527358399, ClinGen allele CA345235029.

ClinVar aggregate classification (germline): Uncertain significance (1 of 4 stars; one submission).

Submission:

Ambry Genetics
Classification: Uncertain significance. Last evaluated: 2024-07-01. Review status: criteria provided, single submitter. Criteria: Ambry Variant Classification Scheme 2023. Collection method: clinical testing. Allele origin: germline.
Comment: The p.M276I variant (also known as c.828G>A), located in coding exon 1 of the EGLN1 gene, results from a G to A substitution at nucleotide position 828. The methionine at codon 276 is replaced by isoleucine, an amino acid with highly similar properties. This amino acid position is conserved. In addition, this alteration is predicted to be tolerated by in silico analysis. Since supporting evidence is limited at this time, the clinical significance of this alteration remains unclear.